The following is an entry in ClinVar:

ClinVar aggregate classification (germline): Uncertain significance. Review status: criteria provided, multiple submitters, no conflicts (2 of 4 stars). 5 submissions from 5 submitters: Uncertain significance (4). 1 of the submissions does not count toward it. Last evaluated 2025-09-01.

Conditions:
COL6A3-related disorder. Also called: COL6A3-related disorders; COL6A3-related condition.
Bethlem myopathy 1A. Also called: Bethlem myopathy 1; Bethlem Muscular Dystrophy; MYOPATHY, BENIGN CONGENITAL, WITH CONTRACTURES. Identifiers: Orphanet 610, MedGen CN029274, MONDO:0024530, OMIM 158810.

Allele frequency attached by ClinVar (database versions not stated): gnomAD exomes below 0.00001; TOPMed below 0.00001; ExAC 0.00001; gnomAD 0.00001.
gnomAD v4.1: 3 of 1,611,650 alleles (0.00019%); highest among the groups gnomAD compares: Non-Finnish European, 0.00025%; no homozygotes.

Submissions (5):

CeGaT Center for Human Genetics Tuebingen
Classification: Uncertain significance. Last evaluated: 2025-09-01. Review status: criteria provided, single submitter. Criteria: CeGaT Center For Human Genetics Tuebingen Variant Classification Criteria Version 2. Collection method: clinical testing. Allele origin: germline. Affected: yes. Observed: 1 variant allele.
Comment: COL6A3: PM2, BP4

Labcorp Genetics (formerly Invitae), Labcorp
Classification: Uncertain significance for Bethlem myopathy 1A. Last evaluated: 2022-07-18. Review status: criteria provided, single submitter. Criteria: Invitae Variant Classification Sherloc (09022015). Collection method: clinical testing. Allele origin: germline.
Comment: This sequence change replaces glycine, which is neutral and non-polar, with valine, which is neutral and non-polar, at codon 139 of the COL6A3 protein (p.Gly139Val). In summary, the available evidence is currently insufficient to determine the role of this variant in disease. Therefore, it has been classified as a Variant of Uncertain Significance. Advanced modeling of protein sequence and biophysical properties (such as structural, functional, and spatial information, amino acid conservation, physicochemical variation, residue mobility, and thermodynamic stability) performed at Invitae indicates that this missense variant is not expected to disrupt COL6A3 protein function. ClinVar contains an entry for this variant (Variation ID: 1056171). This variant has not been reported in the literature in individuals affected with COL6A3-related conditions. This variant is present in population databases (rs780669785, gnomAD 0.0009%).

Revvity Omics, Revvity
Classification: Uncertain significance. Last evaluated: 2020-03-05. Review status: criteria provided, single submitter. Criteria: ACMG Guidelines, 2015. Collection method: clinical testing. Allele origin: germline.

Breakthrough Genomics
Classification: Uncertain significance. Review status: criteria provided, single submitter. Criteria: ACMG Guidelines, 2015. Collection method: not provided. Allele origin: germline. Inheritance: Autosomal recessive inheritance. Affected: yes.

PreventionGenetics, part of Exact Sciences
Classification: Uncertain significance for COL6A3-related condition. Last evaluated: 2024-04-22. Review status: no assertion criteria provided. Collection method: clinical testing. Allele origin: germline. Not counted in ClinVar's aggregate classification.
Comment: The COL6A3 c.416G>T variant is predicted to result in the amino acid substitution p.Gly139Val. To our knowledge, this variant has not been reported in the literature. This variant is reported in 0.00088% of alleles in individuals of European (Non-Finnish) descent in gnomAD. At this time, the clinical significance of this variant is uncertain due to the absence of conclusive functional and genetic evidence.

NM_004369.4(COL6A3):c.416G>T (p.Gly139Val)

Gene: COL6A3 (collagen type VI alpha 3 chain; minus strand). Cytogenetic location: 2q37.3.
Variant type: single nucleotide variant.
Coding change: c.416G>T on transcript NM_004369.4 (MANE Select); coding-DNA position 416, G replaced by T.
Protein change: p.Gly139Val; replaces glycine 139 with valine.
Molecular consequence: missense variant. On other transcripts: intron variant (4).
Genome position (GRCh38, 1-based): chr2:237,394,880, C>A on the plus strand (G>T on the coding strand, the complement: COL6A3 is on the minus strand). VCF-style: chr2-237394880-C-A. GRCh37 (hg19) VCF-style: chr2-238303523-C-A.
Other names: c.416G>T (NM_004369.3); c.91+1847G>T (NM_057166.5, NM_057167.4, NM_057164.5 and 1 more transcripts); short protein forms G139V.
Identifiers: ClinVar variation 1056171 (VCV001056171.20), dbSNP rs780669785, ClinGen allele CA2189872.